The following is an entry in ClinVar:

NM_000245.4(MET):c.25C>A (p.Pro9Thr)

Gene: MET (MET proto-oncogene, receptor tyrosine kinase; plus strand). Cytogenetic location: 7q31.2.
Variant type: single nucleotide variant.
Coding change: c.25C>A on transcript NM_000245.4 (MANE Select); coding-DNA position 25, C replaced by A.
Protein change: p.Pro9Thr; replaces proline 9 with threonine.
Molecular consequence: missense variant. On other transcripts: intron variant (1).
Genome position (GRCh38, 1-based): chr7:116,699,109, C>A. VCF-style: chr7-116699109-C-A. GRCh37 (hg19) VCF-style: chr7-116339163-C-A.
Other names: c.25C>A, p.Pro9Thr (NM_001127500.3, NM_001324401.3); c.-91+26532C>A (NM_001324402.2); short protein forms P9T.
Identifiers: ClinVar variation 1478952 (VCV001478952.6), dbSNP rs2116578170, ClinGen allele CA368968185.

ClinVar aggregate classification (germline): Uncertain significance (1 of 4 stars; one submission).

Conditions:
Renal cell carcinoma. Identifiers: Orphanet 217071, MedGen C0007134, MeSH D002292, MONDO:0005086, HP:0005584.

Submission:

Labcorp Genetics (formerly Invitae), Labcorp
Classification: Uncertain significance for Renal cell carcinoma. Last evaluated: 2021-10-04. Review status: criteria provided, single submitter. Criteria: Invitae Variant Classification Sherloc (09022015). Collection method: clinical testing. Allele origin: germline.
Comment: In summary, the available evidence is currently insufficient to determine the role of this variant in disease. Therefore, it has been classified as a Variant of Uncertain Significance. Algorithms developed to predict the effect of missense changes on protein structure and function are either unavailable or do not agree on the potential impact of this missense change (SIFT: "Tolerated"; PolyPhen-2: "Possibly Damaging"; Align-GVGD: "Class C0"). This variant has not been reported in the literature in individuals affected with MET-related conditions. This variant is not present in population databases (ExAC no frequency). This sequence change replaces proline with threonine at codon 9 of the MET protein (p.Pro9Thr). The proline residue is moderately conserved and there is a small physicochemical difference between proline and threonine.